The following is an entry in ClinVar:

ClinVar aggregate classification (germline): Pathogenic (1 of 4 stars; one submission).

Conditions:
Alagille syndrome due to a JAG1 point mutation. Also called: Alagille Syndrome 1; JAG1-Related Alagille Syndrome; HEPATIC DUCTULAR HYPOPLASIA, SYNDROMATIC. Identifiers: Orphanet 261619, Orphanet 52, MedGen C1956125, MONDO:0016862, OMIM 118450.

Submission:

Women's Health and Genetics/Laboratory Corporation of America, LabCorp
Classification: Pathogenic for Alagille syndrome due to a JAG1 point mutation. Last evaluated: 2024-11-11. Review status: criteria provided, single submitter. Criteria: LabCorp Variant Classification Summary - May 2015. Collection method: clinical testing. Allele origin: germline.
Comment: Variant summary: JAG1 c.2992dupA (p.Ile998AsnfsX14) results in a premature termination codon, predicted to cause a truncation of the encoded protein or absence of the protein due to nonsense mediated decay, which are commonly known mechanisms for disease. The variant was absent in 251302 control chromosomes. To our knowledge, no occurrence of c.2992dupA in individuals affected with Alagille Syndrome 1 and no experimental evidence demonstrating its impact on protein function have been reported. No submitters have cited clinical-significance assessments for this variant to ClinVar. Based on the evidence outlined above, the variant was classified as pathogenic.

NM_000214.3(JAG1):c.2992dup (p.Ile998fs)

Gene: JAG1 (jagged canonical Notch ligand 1; minus strand). Cytogenetic location: 20p12.2.
Variant type: Duplication.
Coding change: c.2992dup on transcript NM_000214.3 (MANE Select); coding-DNA position 2992, one base duplicated (A; older notation c.2992dupA).
Protein change: p.Ile998fs; shifts the reading frame from isoleucine 998.
Molecular consequence: frameshift variant.
Genome position (GRCh38, 1-based): chr20:10,641,169, T duplicated on the plus strand (A on the coding strand, the reverse complement: JAG1 is on the minus strand); the first of 2 consecutive T bases (chr20:10,641,169-10,641,170); duplicating either gives the same sequence. VCF-style (leftmost placement, unchanged base first): chr20-10641168-A-AT. GRCh37 (hg19) VCF-style: chr20-10621816-A-AT.
Other names: c.2992dupA (NM_000214.3); short protein forms I998fs.
Identifiers: ClinVar variation 3629727 (VCV003629727.1).